The following is an entry in ClinVar:

ClinVar aggregate classification (germline): Uncertain significance (1 of 4 stars; one submission).

Submission:

Quest Diagnostics Nichols Institute San Juan Capistrano
Classification: Uncertain significance. Last evaluated: 2024-02-29. Review status: criteria provided, single submitter. Criteria: Quest Diagnostics criteria. Collection method: clinical testing. Allele origin: unknown.
Comment: The RAD50 c.-5C>T variant has not been reported in individuals with RAD50-related conditions in the published literature. It also has not been reported in large, multi-ethnic general populations (Genome Aggregation Database). Analysis of this variant using software algorithms for the prediction of the effect of nucleotide changes on splicing yielded predictions that this variant does not affect RAD50 mRNA splicing. Based on the available information, we are unable to determine the clinical significance of this variant.

NM_005732.4(RAD50):c.-5C>T

Gene: RAD50 (RAD50 double strand break repair protein; plus strand). Cytogenetic location: 5q31.1.
Variant type: single nucleotide variant.
Coding change: c.-5C>T on transcript NM_005732.4 (MANE Select); 5 bases upstream of the start codon, C replaced by T.
Molecular consequence: 5 prime UTR variant.
Genome position (GRCh38, 1-based): chr5:132,557,320, C>T. VCF-style: chr5-132557320-C-T. GRCh37 (hg19) VCF-style: chr5-131893012-C-T.
Identifiers: ClinVar variation 3572261 (VCV003572261.1).
Genomic context (GRCh38, chr5:132,557,320, plus strand): 5'-GCTTCGGCCTCAGTTAAGCCTTTGTGGGCTCCAGGTCCCTGGTGAGATTAGAAACGTTTG[C>T]AAACATGTCCCGGATCGAAAAGATGAGCATTCTGGGCGTGCGGAGTTTTGGAATAGAGGA-3'